The following is an entry in ClinVar:

NM_020843.4(SCAPER):c.2865A>G (p.Gln955=)

Gene: SCAPER (S-phase cyclin A associated protein in the ER; minus strand). Cytogenetic location: 15q24.3.
Variant type: single nucleotide variant.
Coding change: c.2865A>G on transcript NM_020843.4 (MANE Select); coding-DNA position 2865, A replaced by G.
Protein change: p.Gln955=; no amino-acid change (glutamine 955 retained).
Molecular consequence: synonymous variant. On other transcripts: non-coding transcript variant (1).
Genome position (GRCh38, 1-based): chr15:76,504,948, T>C on the plus strand (A>G on the coding strand, the complement: SCAPER is on the minus strand). VCF-style: chr15-76504948-T-C. GRCh37 (hg19) VCF-style: chr15-76797289-T-C.
Other names: c.2127A>G, p.Gln709= (NM_001145923.2); c.2883A>G, p.Gln961= (NM_001353009.2); c.2463A>G, p.Gln821= (NM_001353010.2, NM_001353012.2); c.2481A>G, p.Gln827= (NM_001353011.2).
Identifiers: ClinVar variation 4823237 (VCV004823237.4).
Genomic context (GRCh38, chr15:76,504,948, plus strand): 5'-ATTTGTGGCTGGGACTACTGCTTGAAGGATGTGTTCAAGGGCTGTTAATCCACCAGCAGC[T>C]TGAAATGCAATCTGATCTGCCACATTCTAGACAGAAATACAAACAGAAGTTAGCCCAATT-3'
Protein context (NP_065894.2, residues 945-965): KENVADQIAF[Gln955=]AAGGLTALEH

ClinVar aggregate classification (germline): Likely benign (1 of 4 stars; one submission).

gnomAD v4.1: 2 of 1,612,412 alleles (0.00012%); highest among the groups gnomAD compares: African/African-American, 0.0013%; no homozygotes.

Submission:

CeGaT Center for Human Genetics Tuebingen
Classification: Likely benign. Last evaluated: 2026-02-01. Review status: criteria provided, single submitter. Criteria: CeGaT Center For Human Genetics Tuebingen Variant Classification Criteria Version 2. Collection method: clinical testing. Allele origin: germline. Affected: yes. Observed: 1 variant allele.
Comment: SCAPER: BP4, BP7